The following is an entry in ClinVar:

ClinVar aggregate classification (germline): Uncertain significance (1 of 4 stars; one submission).

Submission:

GeneDx
Classification: Uncertain significance. Last evaluated: 2023-10-13. Review status: criteria provided, single submitter. Criteria: GeneDx Variant Classification Process June 2021. Collection method: clinical testing. Allele origin: germline. Affected: yes.
Comment: Not observed at significant frequency in large population cohorts (gnomAD); In-frame deletion of 1 amino acid in a non-repeat region; In silico analysis supports a deleterious effect on protein structure/function; Has not been previously published as pathogenic or benign to our knowledge

NM_001039591.3(USP9X):c.6758CTC[1] (p.Pro2254del)

Gene: USP9X (ubiquitin specific peptidase 9 X-linked; plus strand). Cytogenetic location: Xp11.4.
Variant type: Microsatellite.
Coding change: c.6758CTC[1] on transcript NM_001039591.3 (MANE Select); one copy of the 3-base unit CTC starting at c.6758; the reference has two copies in a row; one copy, 3 bases deleted.
Protein change: p.Pro2254del; deletes proline 2254.
Genome position (GRCh38, 1-based): chrX:41,224,751-41,224,753, CTC deleted; deleting any 3 consecutive bases within chrX:41,224,746-41,224,753 gives the same sequence; the position shown is the placement nearest the transcript's 3' end. VCF-style (leftmost placement, unchanged base first): chrX-41224745-ATCC-A. GRCh37 (hg19) VCF-style: chrX-41083998-ATCC-A.
Other names: c.6758CTC[1], p.Pro2254del (NM_001039590.3); c.6773CTC[1], p.Pro2259del (NM_001410748.1, NM_001410749.1); short protein forms P2254del, P2259del.
Identifiers: ClinVar variation 3361602 (VCV003361602.1).